The following is an entry in ClinVar:

ClinVar aggregate classification (germline): Pathogenic. Review status: criteria provided, multiple submitters, no conflicts (2 of 4 stars). 2 submissions from 2 submitters: Pathogenic (2). Last evaluated 2021-05-28.

Conditions:
Hereditary cancer-predisposing syndrome. Also called: Neoplastic Syndromes, Hereditary; Hereditary Cancer Syndrome; Hereditary neoplastic syndrome; Tumor predisposition. Identifiers: Orphanet 140162, MedGen C0027672, MeSH D009386, MONDO:0015356.
Hereditary breast ovarian cancer syndrome. Also called: Hereditary breast and ovarian cancer; Breast and ovarian cancer; BRCA1- and BRCA2-Associated Hereditary Breast and Ovarian Cancer; Hereditary breast and/or ovarian cancer syndrome; Hereditary breast and ovarian cancer syndrome; Hereditary breast and ovarian cancer syndrome (HBOC). Identifiers: Orphanet 145, MedGen C0677776, MeSH D061325, MONDO:0003582. Disease mechanism: loss of function.

Submissions (2):

Labcorp Genetics (formerly Invitae), Labcorp
Classification: Pathogenic for Hereditary breast ovarian cancer syndrome. Last evaluated: 2021-05-28. Review status: criteria provided, single submitter. Criteria: Invitae Variant Classification Sherloc (09022015). Collection method: clinical testing. Allele origin: germline.
Comment: For these reasons, this variant has been classified as Pathogenic. This variant has not been reported in the literature in individuals with BRCA2-related conditions. This variant is not present in population databases (ExAC no frequency). This sequence change creates a premature translational stop signal (p.Asn1201*) in the BRCA2 gene. It is expected to result in an absent or disrupted protein product. Loss-of-function variants in BRCA2 are known to be pathogenic (PMID: 20104584).

Ambry Genetics
Classification: Pathogenic for Hereditary cancer-predisposing syndrome. Last evaluated: 2021-01-13. Review status: criteria provided, single submitter. Criteria: Ambry Variant Classification Scheme 2023. Collection method: clinical testing. Allele origin: germline.
Comment: The c.3600dupT pathogenic mutation, located in coding exon 10 of the BRCA2 gene, results from a duplication of T at nucleotide position 3600, causing a translational frameshift with a predicted alternate stop codon (p.N1201*). This alteration is expected to result in loss of function by premature protein truncation or nonsense-mediated mRNA decay. As such, this alteration is interpreted as a disease-causing mutation.

Literature cited by the submitters: PubMed 20104584 (cited by Labcorp Genetics (formerly Invitae), Labcorp).

NM_000059.4(BRCA2):c.3600dup (p.Asn1201Ter)

Gene: BRCA2 (BRCA2 DNA repair associated; plus strand). Cytogenetic location: 13q13.1.
Variant type: Duplication.
Coding change: c.3600dup on transcript NM_000059.4 (MANE Select); coding-DNA position 3600, one base duplicated (T; older notation c.3600dupT).
Protein change: p.Asn1201Ter; replaces asparagine 1201 with a stop codon.
Molecular consequence: nonsense.
Genome position (GRCh38, 1-based): chr13:32,337,955, T duplicated. VCF-style (leftmost placement, unchanged base first): chr13-32337954-G-GT. GRCh37 (hg19) VCF-style: chr13-32912091-G-GT.
Other names: short protein forms N1201*.
Identifiers: ClinVar variation 1460033 (VCV001460033.8), dbSNP rs2137498229, ClinGen allele CA2573149325.